The following is an entry in ClinVar:

NM_014391.3(ANKRD1):c.194A>C (p.Gln65Pro)

Gene: ANKRD1 (ankyrin repeat domain 1; minus strand). Cytogenetic location: 10q23.31.
Variant type: single nucleotide variant.
Coding change: c.194A>C on transcript NM_014391.3 (MANE Select); coding-DNA position 194, A replaced by C.
Protein change: p.Gln65Pro; replaces glutamine 65 with proline.
Molecular consequence: missense variant.
Genome position (GRCh38, 1-based): chr10:90,920,182, T>G on the plus strand (A>C on the coding strand, the complement: ANKRD1 is on the minus strand). VCF-style: chr10-90920182-T-G. GRCh37 (hg19) VCF-style: chr10-92679939-T-G.
Other names: short protein forms Q65P.
Identifiers: ClinVar variation 452131 (VCV000452131.7), dbSNP rs759803899, ClinGen allele CA5598824.

ClinVar aggregate classification (germline): Uncertain significance. Review status: criteria provided, multiple submitters, no conflicts (2 of 4 stars). 3 submissions from 3 submitters: Uncertain significance (3). Last evaluated 2026-01-07.

Conditions:
Cardiovascular phenotype. Identifiers: MedGen CN230736.
ANKRD1-related dilated cardiomyopathy. Identifiers: MedGen CN119551.

Allele frequency attached by ClinVar (database versions not stated): gnomAD exomes below 0.00001; TOPMed below 0.00001; ExAC 0.00001; gnomAD 0.00001.
gnomAD v4.1: 41 of 1,613,738 alleles (0.0025%); highest among the groups gnomAD compares: Non-Finnish European, 0.0034%; no homozygotes.

Submissions (3):

Labcorp Genetics (formerly Invitae), Labcorp
Classification: Uncertain significance for ANKRD1-related dilated cardiomyopathy. Last evaluated: 2026-01-07. Review status: criteria provided, single submitter. Criteria: Invitae Variant Classification Sherloc (09022015). Collection method: clinical testing. Allele origin: germline.
Comment: This sequence change replaces glutamine, which is neutral and polar, with proline, which is neutral and non-polar, at codon 65 of the ANKRD1 protein (p.Gln65Pro). This variant is present in population databases (rs759803899, gnomAD 0.0009%). This variant has not been reported in the literature in individuals affected with ANKRD1-related conditions. ClinVar contains an entry for this variant (Variation ID: 452131). Invitae Evidence Modeling of protein sequence and biophysical properties (such as structural, functional, and spatial information, amino acid conservation, physicochemical variation, residue mobility, and thermodynamic stability) indicates that this missense variant is not expected to disrupt ANKRD1 protein function with a negative predictive value of 80%. In summary, the available evidence is currently insufficient to determine the role of this variant in disease. Therefore, it has been classified as a Variant of Uncertain Significance.

Ambry Genetics
Classification: Uncertain significance for Cardiovascular phenotype. Last evaluated: 2021-03-19. Review status: criteria provided, single submitter. Criteria: Ambry Variant Classification Scheme 2023. Collection method: clinical testing. Allele origin: germline.
Comment: The p.Q65P variant (also known as c.194A>C), located in coding exon 2 of the ANKRD1 gene, results from an A to C substitution at nucleotide position 194. The glutamine at codon 65 is replaced by proline, an amino acid with similar properties. This amino acid position is not well conserved in available vertebrate species. In addition, this alteration is predicted to be tolerated by in silico analysis. Since supporting evidence is limited at this time, the clinical significance of this alteration remains unclear.

GeneDx
Classification: Uncertain significance. Last evaluated: 2017-09-13. Review status: criteria provided, single submitter. Criteria: GeneDx Variant Classification (06012015). Collection method: clinical testing. Allele origin: germline. Affected: yes.
Comment: The Q65P variant in the ANKRD1 gene has not been reported previously as a pathogenic variant, nor as a benign variant, to our knowledge. The Q65P variant is not observed at a significant frequency in large population cohorts (Lek et al., 2016; 1000 Genomes Consortium et al., 2015; Exome Variant Server). The Q65P variant is a non-conservative amino acid substitution, which is likely to impact secondary protein structure as these residues differ in polarity, charge, size and/or other properties. This substitution occurs at a position that is not conserved. In silico analysis is inconsistent in its predictions as to whether or not the variant is damaging to the protein structure/function. We interpret Q65P as a variant of uncertain significance.